The following is an entry in ClinVar:

NM_017840.4(MRPL16):c.398G>A (p.Arg133His)

Gene: MRPL16 (mitochondrial ribosomal protein L16; minus strand). Cytogenetic location: 11q12.1.
Variant type: single nucleotide variant.
Coding change: c.398G>A on transcript NM_017840.4 (MANE Select); coding-DNA position 398, G replaced by A.
Protein change: p.Arg133His; replaces arginine 133 with histidine.
Molecular consequence: missense variant.
Genome position (GRCh38, 1-based): chr11:59,806,705, C>T on the plus strand (G>A on the coding strand, the complement: MRPL16 is on the minus strand). VCF-style: chr11-59806705-C-T. GRCh37 (hg19) VCF-style: chr11-59574178-C-T.
Other names: short protein forms R133H.
Identifiers: ClinVar variation 4553121 (VCV004553121.1).
Genomic context (GRCh38, chr11:59,806,705, plus strand): 5'-GGTGTCACGTAGTGGTCAATAGCACCTTTGCCTCCCCCCATGCGATGCCCAACACTTTTG[C>T]GAGTGATGGGCTTGAAAGGGGCTGGTACTCGCCATATGGCAAACATGTTCTTGGGGTCCA-3'
Protein context (NP_060310.1, residues 123-143): RVPAPFKPIT[Arg133His]KSVGHRMGGG

ClinVar aggregate classification (germline): Uncertain significance (1 of 4 stars; one submission).

gnomAD v4.1: 30 of 1,614,126 alleles (0.0019%); highest among the groups gnomAD compares: Admixed American, 0.012%; no homozygotes.

Submission:

Ambry Genetics
Classification: Uncertain significance. Last evaluated: 2025-09-25. Review status: criteria provided, single submitter. Criteria: Ambry Variant Classification Scheme 2023. Collection method: clinical testing. Allele origin: germline.
Comment: The c.398G>A (p.R133H) alteration is located in exon 4 (coding exon 4) of the MRPL16 gene. This alteration results from a G to A substitution at nucleotide position 398, causing the arginine (R) at amino acid position 133 to be replaced by a histidine (H). Based on data from gnomAD, the A allele has an overall frequency of 0.004% (10/282888) total alleles studied. The highest observed frequency was 0.014% (5/35436) of Latino alleles. Based on insufficient or conflicting evidence, the clinical significance of this alteration remains unclear.